The following is an entry in ClinVar:

ClinVar aggregate classification (germline): Uncertain significance (1 of 4 stars; one submission).

Conditions:
Autosomal recessive cutis laxa type 2D. Also called: CUTIS LAXA, AUTOSOMAL RECESSIVE, TYPE IID. Identifiers: MedGen C4479409, MONDO:0027451, OMIM 617403.

Submission:

Centre for Mendelian Genomics, University Medical Centre Ljubljana
Classification: Uncertain significance for Autosomal recessive cutis laxa type 2D. Last evaluated: 2020-01-20. Review status: criteria provided, single submitter. Criteria: ACMG Guidelines, 2015. Collection method: clinical testing. Allele origin: unknown. Affected: yes.
Comment: This variant was classified as: Uncertain significance. The available evidence on this variant's pathogenicity is insufficient or conflicting. The following ACMG criteria were applied in classifying this variant: PM2,PP3.

NM_001690.4(ATP6V1A):c.1531G>C (p.Val511Leu)

Gene: ATP6V1A (ATPase H+ transporting V1 subunit A; plus strand). Cytogenetic location: 3q13.31.
Variant type: single nucleotide variant.
Coding change: c.1531G>C on transcript NM_001690.4 (MANE Select); coding-DNA position 1531, G replaced by C.
Protein change: p.Val511Leu; replaces valine 511 with leucine.
Molecular consequence: missense variant.
Genome position (GRCh38, 1-based): chr3:113,803,619, G>C. VCF-style: chr3-113803619-G-C. GRCh37 (hg19) VCF-style: chr3-113522466-G-C.
Other names: short protein forms V511L.
Identifiers: ClinVar variation 930734 (VCV000930734.3), dbSNP rs1709239976, ClinGen allele CA354020578.